The following is an entry in ClinVar:

NM_002474.3(MYH11):c.5354G>C (p.Ser1785Thr)

Genes: NDE1 (nudE neurodevelopment protein 1; plus strand), MYH11 (myosin heavy chain 11; minus strand). Cytogenetic location: 16p13.11.
Variant type: single nucleotide variant.
Coding change: c.5354G>C on transcript NM_002474.3 (MANE Select); coding-DNA position 5354, G replaced by C.
Protein change: p.Ser1785Thr; replaces serine 1785 with threonine.
Molecular consequence: missense variant. On other transcripts: intron variant (2).
Genome position (GRCh38, 1-based): chr16:15,717,290, C>G on the plus strand (G>C on the coding strand, the complement: MYH11 is on the minus strand). VCF-style: chr16-15717290-C-G. GRCh37 (hg19) VCF-style: chr16-15811147-C-G.
Other names: c.5375G>C, p.Ser1792Thr (NM_001040113.2, NM_001040114.2); c.5354G>C, p.Ser1785Thr (NM_022844.3); c.948-6901C>G (NM_001143979.2, NM_017668.3); short protein forms S1792T, S1785T.
Identifiers: ClinVar variation 565627 (VCV000565627.8), dbSNP rs746310860, ClinGen allele CA394849117.
Genomic context (GRCh38, chr16:15,717,290, plus strand): 5'-TCCATCTCGTGGAGCTTGCTCCGGAGCTCCTTGTTCTGCCGCTCGAGCTGCTGCCGGGCA[C>G]TCTCATTCTTCTGGGCCGTGCTGCGCTCTGTGGCCAGCTCGTTGCTGAGCTGCTCGGCCT-3'
Protein context (NP_002465.1, residues 1775-1795): TERSTAQKNE[Ser1785Thr]ARQQLERQNK

ClinVar aggregate classification (germline): Uncertain significance (1 of 4 stars; one submission).

Conditions:
Aortic aneurysm, familial thoracic 4 (AAT4). Also called: AORTIC ANEURYSM/AORTIC DISSECTION AND PATENT DUCTUS ARTERIOSUS. Identifiers: MedGen C1851504, MONDO:0007568, OMIM 132900.

Submission:

Labcorp Genetics (formerly Invitae), Labcorp
Classification: Uncertain significance for Aortic aneurysm, familial thoracic 4. Last evaluated: 2018-06-14. Review status: criteria provided, single submitter. Criteria: Invitae Variant Classification Sherloc (09022015). Collection method: clinical testing. Allele origin: germline.
Comment: In summary, the available evidence is currently insufficient to determine the role of this variant in disease. Therefore, it has been classified as a Variant of Uncertain Significance. Algorithms developed to predict the effect of missense changes on protein structure and function are either unavailable or do not agree on the potential impact of this missense change (SIFT: "Deleterious"; PolyPhen-2: "Benign"; Align-GVGD: "Class C0"). This variant has not been reported in the literature in individuals with MYH11-related disease. This variant is not present in population databases (ExAC no frequency). This sequence change replaces serine with threonine at codon 1792 of the MYH11 protein (p.Ser1792Thr). The serine residue is highly conserved and there is a small physicochemical difference between serine and threonine.